The following is an entry in ClinVar:

NM_001042492.3(NF1):c.2651A>G (p.Glu884Gly)

Gene: NF1 (neurofibromin 1; plus strand). Cytogenetic location: 17q11.2.
Variant type: single nucleotide variant.
Coding change: c.2651A>G on transcript NM_001042492.3 (MANE Select); coding-DNA position 2651, A replaced by G.
Protein change: p.Glu884Gly; replaces glutamic acid 884 with glycine.
Molecular consequence: missense variant.
Genome position (GRCh38, 1-based): chr17:31,229,266, A>G. VCF-style: chr17-31229266-A-G. GRCh37 (hg19) VCF-style: chr17-29556284-A-G.
Other names: c.2651A>G, p.Glu884Gly (NM_000267.4); short protein forms E884G.
Identifiers: ClinVar variation 3404700 (VCV003404700.1).

ClinVar aggregate classification (germline): Uncertain significance (1 of 4 stars; one submission).

Conditions:
Hereditary cancer-predisposing syndrome. Also called: Hereditary Cancer Syndrome; Tumor predisposition; Hereditary neoplastic syndrome; Neoplastic Syndromes, Hereditary. Identifiers: Orphanet 140162, MedGen C0027672, MeSH D009386, MONDO:0015356.
Cardiovascular phenotype. Identifiers: MedGen CN230736.

Submission:

Ambry Genetics
Classification: Uncertain significance for Cardiovascular phenotype; Hereditary cancer-predisposing syndrome. Last evaluated: 2024-08-08. Review status: criteria provided, single submitter. Criteria: Ambry Variant Classification Scheme 2023. Collection method: clinical testing. Allele origin: germline.
Comment: The p.E884G variant (also known as c.2651A>G), located in coding exon 21 of the NF1 gene, results from an A to G substitution at nucleotide position 2651. The glutamic acid at codon 884 is replaced by glycine, an amino acid with similar properties. This amino acid position is conserved. In addition, the in silico prediction for this alteration is inconclusive. Based on the available evidence, the clinical significance of this variant remains unclear.